The following is an entry in ClinVar:

NM_005633.4(SOS1):c.1266G>A (p.Met422Ile)

Gene: SOS1 (SOS Ras/Rac guanine nucleotide exchange factor 1; minus strand). Cytogenetic location: 2p22.1.
Variant type: single nucleotide variant.
Coding change: c.1266G>A on transcript NM_005633.4 (MANE Select); coding-DNA position 1266, G replaced by A.
Protein change: p.Met422Ile; replaces methionine 422 with isoleucine.
Molecular consequence: missense variant.
Genome position (GRCh38, 1-based): chr2:39,023,162, C>T on the plus strand (G>A on the coding strand, the complement: SOS1 is on the minus strand). VCF-style: chr2-39023162-C-T. GRCh37 (hg19) VCF-style: chr2-39250303-C-T.
Other names: c.1245G>A, p.Met415Ile (NM_001382394.1); c.1266G>A, p.Met422Ile (NM_001382395.1); c.1266G>A (NM_005633.3); short protein forms M415I, M422I.
Identifiers: ClinVar variation 1353435 (VCV001353435.11), dbSNP rs1212129369, ClinGen allele CA346366568.
Genomic context (GRCh38, chr2:39,023,162, plus strand): 5'-ATTACAACACTGTCCAATGTCTTTTCCCTCCCAACCATCAATATTCTTCTGAATCTCGTT[C>T]ATCTTCTTGATTGCTAGTTGTTTCCCCTTCATTTGCTGACTATAAAACCGACATGCAGAT-3'
Protein context (NP_005624.2, residues 412-432): MKGKQLAIKK[Met422Ile]NEIQKNIDGW

ClinVar aggregate classification (germline): Uncertain significance. Review status: criteria provided, multiple submitters, no conflicts (2 of 4 stars). 3 submissions from 3 submitters: Uncertain significance (3). Last evaluated 2026-07-21.

Conditions:
Cardiovascular phenotype. Identifiers: MedGen CN230736.
Fibromatosis, gingival, 1 (GINGF1). Identifiers: Orphanet 2024, MedGen C4551558, MONDO:0007609, OMIM 135300.
Noonan syndrome 4 (NS4). Also called: SOS1-Related Noonan Syndrome; NOONAN SYNDROME WITH PIGMENTED VILLONODULAR SYNOVITIS. Identifiers: Orphanet 648, MedGen C1853120, MONDO:0012547, OMIM 610733.
RASopathy. Also called: Noonan spectrum disorder; rasopathies. Identifiers: Orphanet 536391, MedGen C5555857, MONDO:0021060.

Allele frequency attached by ClinVar (database versions not stated): gnomAD 0.00001.
gnomAD v4.1: 3 of 1,613,068 alleles (0.00019%); highest among the groups gnomAD compares: Non-Finnish European, 0.00025%; no homozygotes.

Submissions (3):

Ambry Genetics
Classification: Uncertain significance for Cardiovascular phenotype. Last evaluated: 2026-07-21. Review status: criteria provided, single submitter. Criteria: Ambry Variant Classification Scheme 2023. Collection method: clinical testing. Allele origin: germline.
Comment: The p.M422I variant (also known as c.1266G>A), located in coding exon 10 of the SOS1 gene, results from a G to A substitution at nucleotide position 1266. The methionine at codon 422 is replaced by isoleucine, an amino acid with highly similar properties. This amino acid position is conserved. In addition, the in silico prediction for this alteration is inconclusive. Based on the available evidence, the clinical significance of this variant remains unclear.

Labcorp Genetics (formerly Invitae), Labcorp
Classification: Uncertain significance for RASopathy. Last evaluated: 2024-10-03. Review status: criteria provided, single submitter. Criteria: Invitae Variant Classification Sherloc (09022015). Collection method: clinical testing. Allele origin: germline.
Comment: This sequence change replaces methionine, which is neutral and non-polar, with isoleucine, which is neutral and non-polar, at codon 422 of the SOS1 protein (p.Met422Ile). This variant is present in population databases (no rsID available, gnomAD 0.01%). This variant has not been reported in the literature in individuals affected with SOS1-related conditions. ClinVar contains an entry for this variant (Variation ID: 1353435). Invitae Evidence Modeling of protein sequence and biophysical properties (such as structural, functional, and spatial information, amino acid conservation, physicochemical variation, residue mobility, and thermodynamic stability) has been performed for this missense variant. However, the output from this modeling did not meet the statistical confidence thresholds required to predict the impact of this variant on SOS1 protein function. In summary, the available evidence is currently insufficient to determine the role of this variant in disease. Therefore, it has been classified as a Variant of Uncertain Significance.

Fulgent Genetics
Classification: Uncertain significance for Fibromatosis, gingival, 1; Noonan syndrome 4. Last evaluated: 2021-08-31. Review status: criteria provided, single submitter. Criteria: ACMG Guidelines, 2015. Collection method: clinical testing. Allele origin: unknown.